The following is an entry in ClinVar:

ClinVar aggregate classification (germline): Uncertain significance (1 of 4 stars; one submission).

Conditions:
Microcephaly-intellectual disability-sensorineural hearing loss-epilepsy-abnormal muscle tone syndrome (NEDHSB). Also called: NEURODEVELOPMENTAL DISORDER WITH HEARING LOSS, SEIZURES, AND BRAIN ABNORMALITIES. Identifiers: Orphanet 457351, MedGen C4225276, MONDO:0014698, OMIM 616577.

Submission:

Labcorp Genetics (formerly Invitae), Labcorp
Classification: Uncertain significance for Microcephaly-intellectual disability-sensorineural hearing loss-epilepsy-abnormal muscle tone syndrome. Last evaluated: 2025-06-05. Review status: criteria provided, single submitter. Criteria: Invitae Variant Classification Sherloc (09022015). Collection method: clinical testing. Allele origin: germline.
Comment: This sequence change replaces isoleucine, which is neutral and non-polar, with methionine, which is neutral and non-polar, at codon 314 of the SPATA5 protein (p.Ile314Met). This variant is not present in population databases (gnomAD no frequency). This variant has not been reported in the literature in individuals affected with SPATA5-related conditions. Invitae Evidence Modeling of protein sequence and biophysical properties (such as structural, functional, and spatial information, amino acid conservation, physicochemical variation, residue mobility, and thermodynamic stability) indicates that this missense variant is not expected to disrupt SPATA5 protein function with a negative predictive value of 95%. In summary, the available evidence is currently insufficient to determine the role of this variant in disease. Therefore, it has been classified as a Variant of Uncertain Significance.

NM_145207.3(AFG2A):c.942A>G (p.Ile314Met)

Gene: AFG2A (AAA ATPase AFG2A; plus strand). Cytogenetic location: 4q28.1.
Variant type: single nucleotide variant.
Coding change: c.942A>G on transcript NM_145207.3 (MANE Select); coding-DNA position 942, A replaced by G.
Protein change: p.Ile314Met; replaces isoleucine 314 with methionine.
Molecular consequence: missense variant.
Genome position (GRCh38, 1-based): chr4:122,934,533, A>G. VCF-style: chr4-122934533-A-G. GRCh37 (hg19) VCF-style: chr4-123855688-A-G.
Other names: c.939A>G, p.Ile313Met (NM_001317799.2, NM_001345856.2, NM_001437913.1); c.942A>G, p.Ile314Met (NM_001438322.1); short protein forms I313M, I314M.
Identifiers: ClinVar variation 4783456 (VCV004783456.1).